The following is an entry in ClinVar:

ClinVar aggregate classification (germline): Uncertain significance (1 of 4 stars; one submission).

Submission:

Labcorp Genetics (formerly Invitae), Labcorp
Classification: Uncertain significance. Last evaluated: 2022-05-06. Review status: criteria provided, single submitter. Criteria: Invitae Variant Classification Sherloc (09022015). Collection method: clinical testing. Allele origin: germline.
Comment: In summary, the available evidence is currently insufficient to determine the role of this variant in disease. Therefore, it has been classified as a Variant of Uncertain Significance. Algorithms developed to predict the effect of missense changes on protein structure and function output the following: SIFT: "Not Available"; PolyPhen-2: "Benign"; Align-GVGD: "Not Available". The serine amino acid residue is found in multiple mammalian species, which suggests that this missense change does not adversely affect protein function. This variant has not been reported in the literature in individuals affected with ZFP57-related conditions. This variant is not present in population databases (gnomAD no frequency). This sequence change replaces proline, which is neutral and non-polar, with serine, which is neutral and polar, at codon 174 of the ZFP57 protein (p.Pro174Ser).

NM_001109809.5(ZFP57):c.520C>T (p.Pro174Ser)

Gene: ZFP57 (ZFP57 zinc finger protein; minus strand). Cytogenetic location: 6p22.1.
Variant type: single nucleotide variant.
Coding change: c.520C>T on transcript NM_001109809.5 (MANE Select); coding-DNA position 520, C replaced by T.
Protein change: p.Pro174Ser; replaces proline 174 with serine.
Molecular consequence: missense variant.
Genome position (GRCh38, 1-based): chr6:29,673,591, G>A on the plus strand (C>T on the coding strand, the complement: ZFP57 is on the minus strand). VCF-style: chr6-29673591-G-A. GRCh37 (hg19) VCF-style: chr6-29641368-G-A.
Other names: c.304C>T, p.Pro102Ser (NM_001366333.2); short protein forms P174S, P102S.
Identifiers: ClinVar variation 2134818 (VCV002134818.4), dbSNP rs2481727584, ClinGen allele CA363046594.
Genomic context (GRCh38, chr6:29,673,591, plus strand): 5'-GGTGGCTATAGAGGTAGGAGCGCCTGCTGAAACATTTGCCACAGGTGTAGCAAAAAAAGG[G>A]TGGCCCAGCCTGGGATGCTTGAAGCACCCGGGTCCTGTCCATAGTCCCAGCTGGGGCAGA-3'
Protein context (NP_001103279.2, residues 164-184): RVLQASQAGP[Pro174Ser]FFCYTCGKCF